The following is an entry in ClinVar:

ClinVar aggregate classification (germline): Uncertain significance (1 of 4 stars; one submission).

gnomAD v4.1: 1 of 1,614,234 alleles (0.000062%); highest among the groups gnomAD compares: South Asian, 0.0011%; no homozygotes.

Submission:

GeneDx
Classification: Uncertain significance. Last evaluated: 2019-05-01. Review status: criteria provided, single submitter. Criteria: GeneDx Variant Classification Process June 2021. Collection method: clinical testing. Allele origin: germline. Affected: yes.
Comment: In silico analysis, which includes protein predictors and evolutionary conservation, supports a deleterious effect; In silico analysis using splice predictors suggests this variant may impact gene splicing. In the absence of RNA/functional studies, the actual effect of this sequence change is unknown.; Not observed in large population cohorts (Lek et al., 2016); Has not been previously published as pathogenic or benign to our knowledge

NM_001148.6(ANK2):c.3298G>A (p.Glu1100Lys)

Gene: ANK2 (ankyrin 2; plus strand). Cytogenetic location: 4q26.
Variant type: single nucleotide variant.
Coding change: c.3298G>A on transcript NM_001148.6 (MANE Select); coding-DNA position 3298, G replaced by A.
Protein change: p.Glu1100Lys; replaces glutamic acid 1100 with lysine.
Molecular consequence: missense variant.
Genome position (GRCh38, 1-based): chr4:113,333,127, G>A. VCF-style: chr4-113333127-G-A. GRCh37 (hg19) VCF-style: chr4-114254283-G-A.
Other names: c.3271G>A, p.Glu1091Lys (NM_001127493.3); c.3310G>A, p.Glu1104Lys (NM_001354225.2); c.3199G>A, p.Glu1067Lys (NM_001354228.2, NM_001354258.2); c.3277G>A, p.Glu1093Lys (NM_001354230.2); c.3340G>A, p.Glu1114Lys (NM_001354231.2, NM_001354242.2); c.3334G>A, p.Glu1112Lys (NM_001354232.2); c.3295G>A, p.Glu1099Lys (NM_001354235.2, NM_001354246.2, NM_001354265.2); c.3196G>A, p.Glu1066Lys (NM_001354236.2); and 28 more; short protein forms E1000K, E1005K, E1013K, E1025K, E1029K, E1033K, E1034K, E1038K.
Identifiers: ClinVar variation 1321055 (VCV001321055.2), dbSNP rs2153942754, ClinGen allele CA357936112.